The following is an entry in ClinVar:

NM_001164508.2(NEB):c.25214del (p.Gly8405fs)

Genes: NEB (nebulin; minus strand), RIF1 (replication timing regulatory factor 1; plus strand). Cytogenetic location: 2q23.3.
Variant type: Deletion.
Coding change: c.25214del on transcript NM_001164508.2 (MANE Select); coding-DNA position 25214, one base deleted (G; older notation c.25214delG).
Protein change: p.Gly8405fs; shifts the reading frame from glycine 8405.
Molecular consequence: frameshift variant.
Genome position (GRCh38, 1-based): chr2:151,490,455, C deleted on the plus strand (G on the coding strand, the reverse complement: NEB is on the minus strand); the first of 5 consecutive C bases (chr2:151,490,455-151,490,459); deleting any one gives the same sequence. VCF-style (leftmost placement, unchanged base first): chr2-151490454-AC-A. GRCh37 (hg19) VCF-style: chr2-152346968-AC-A.
Other names: NM_001164508.2(NEB):c.25214del; p.Gly8405fs; c.25214del, p.Gly8405fs (NM_001164507.2); c.25319del, p.Gly8440fs (NM_001271208.2); c.19646del, p.Gly6549fs (NM_004543.5); short protein forms G8440fs, G8405fs, G6549fs.
Identifiers: ClinVar variation 465589 (VCV000465589.13), dbSNP rs1553520266, ClinGen allele CA658657069.

ClinVar aggregate classification (germline): Conflicting classifications of pathogenicity. Review status: criteria provided, conflicting classifications (1 of 4 stars). 5 submissions from 5 submitters: Likely pathogenic (1); Uncertain significance (2). 2 of the submissions do not count toward it. Last evaluated 2025-02-24.

Conditions:
Nemaline myopathy. Also called: Myopathies, Nemaline. Identifiers: Orphanet 607, MedGen C0206157, MONDO:0018958.
Nemaline myopathy 2 (NEM2). Also called: Nemaline myopathy 2, autosomal recessive. Identifiers: MedGen C1850569, MONDO:0009725, OMIM 256030.

Submissions (5):

Broad Center for Mendelian Genomics, Broad Institute of MIT and Harvard
Classification: Uncertain significance for Nemaline myopathy. Last evaluated: 2025-02-24. Review status: criteria provided, single submitter. Criteria: ACMG Guidelines, 2015. Collection method: curation. Allele origin: germline. Inheritance: Autosomal recessive inheritance.
Comment: The p.Gly8405Valfs variant in NEB has not been previously reported in the literature in individuals with nemaline myopathy, but has been identified in 0.0003% (4/1176568) of European (non-Finnish) chromosomes by the Genome Aggregation Database (gnomAD; dbSNP ID: rs1553520266). Although this variant has been seen in the general population in a heterozygous state, its frequency is low enough to be consistent with a recessive carrier frequency. It is of note that this variant occurs in a homopolymer repeat, which could indicate that it exists as an artifact from sequencing. However, disease-causing variants have been reported in homopolymer regions, so this is not enough to rule out a pathogenic role. This variant has also been reported in ClinVar (Variation ID: 465589) and has been interpreted as likely pathogenic by Women's Health and Genetics/Laboratory Corporation of America (LabCorp) and a variant of uncertain significance by Invitae. This variant is predicted to cause a frameshift, which alters the protein‚Äôs amino acid sequence beginning at position 8405 and leads to a premature termination codon 90 amino acids downstream. This termination codon occurs within the last exon and is more likely to escape nonsense mediated decay (NMD) and result in a truncated protein. Loss of function of the NEB gene is an established disease mechanism in autosomal recessive nemaline myopathy. In summary, the clinical significance of the p.Gly8405Valfs variant is uncertain. ACMG/AMP Criteria applied: PVS1_moderate, PM2_supporting (Richards 2015).

Women's Health and Genetics/Laboratory Corporation of America, LabCorp
Classification: Likely pathogenic for Nemaline myopathy. Last evaluated: 2023-01-10. Review status: criteria provided, single submitter. Criteria: LabCorp Variant Classification Summary - May 2015. Collection method: clinical testing. Allele origin: germline.
Comment: Variant summary: NEB c.25319delG (p.Gly8440ValfsX90) results in a premature termination codon, predicted to cause a truncation of the encoded protein disrupt the last 121 amino acids of the encoded protein or result in the absence of the protein due to nonsense mediated decay, which are commonly known mechanisms for disease. At least one truncation downstream of this position have been classified as pathogenic by our laboratory, suggesting that this region is important for protein function. The variant was absent in 237904 control chromosomes (gnomAD). To our knowledge, no occurrence of c.25319delG in individuals affected with Nemaline Myopathy 2 and no experimental evidence demonstrating its impact on protein function have been reported. Two clinical diagnostic laboratories have submitted clinical-significance assessments for this variant to ClinVar after 2014 and both classified the variant as uncertain significance. Based on the evidence outlined above, the variant was classified as likely pathogenic.

Labcorp Genetics (formerly Invitae), Labcorp
Classification: Uncertain significance for Nemaline myopathy 2. Last evaluated: 2021-08-17. Review status: criteria provided, single submitter. Criteria: Invitae Variant Classification Sherloc (09022015). Collection method: clinical testing. Allele origin: germline.
Comment: This sequence change creates a premature translational stop signal (p.Gly8440Valfs*90) in the NEB gene. While this is not anticipated to result in nonsense mediated decay, it is expected to disrupt the last 121 amino acid(s) of the NEB protein. This variant is not present in population databases (ExAC no frequency). This variant has not been reported in the literature in individuals affected with NEB-related conditions. ClinVar contains an entry for this variant (Variation ID: 465589). This variant disrupts a region of the NEB protein in which other variant(s) (p.Thr8475Lysfs*55) have been observed in individuals with NEB-related conditions (PMID: 25205138). This suggests that this is a clinically significant region of the protein, and that variants that disrupt it are likely to be disease-causing. In summary, the available evidence is currently insufficient to determine the role of this variant in disease. Therefore, it has been classified as a Variant of Uncertain Significance.

Natera, Inc.
Classification: Likely pathogenic for Nemaline myopathy type 2. Last evaluated: 2025-02-04. Review status: no assertion criteria provided. Collection method: clinical testing. Allele origin: germline. Not counted in ClinVar's aggregate classification.

Counsyl
Classification: Uncertain significance for Nemaline myopathy 2. Last evaluated: 2017-12-20. Review status: no assertion criteria provided. Collection method: clinical testing. Allele origin: unknown. Not counted in ClinVar's aggregate classification.

Literature cited by the submitters: PubMed 25205138 (cited by Labcorp Genetics (formerly Invitae), Labcorp).